The following is an entry in ClinVar:

NM_021167.5(GATAD1):c.239G>A (p.Gly80Asp)

Genes: GATAD1 (GATA zinc finger domain containing 1; plus strand), LOC129998793 (ATAC-STARR-seq lymphoblastoid silent region 18371; plus strand). Cytogenetic location: 7q21.2.
Variant type: single nucleotide variant.
Coding change: c.239G>A on transcript NM_021167.5 (MANE Select); coding-DNA position 239, G replaced by A.
Protein change: p.Gly80Asp; replaces glycine 80 with aspartic acid.
Molecular consequence: missense variant. On other transcripts: non-coding transcript variant (1).
Genome position (GRCh38, 1-based): chr7:92,447,968, G>A. VCF-style: chr7-92447968-G-A. GRCh37 (hg19) VCF-style: chr7-92077282-G-A.
Other names: short protein forms G80D.
Identifiers: ClinVar variation 4262193 (VCV004262193.1).
Genomic context (GRCh38, chr7:92,447,968, plus strand): 5'-TCGGCGCGGCGACCTTCGCCAGCACCTCCGCCACCCCTCCGCAGAGCAACGGGGGCGGGG[G>A]CGGCAAGCAGGTGAGCTCCTCCGGCCCCTCCCGCCGGCGGAGGCCGACCAGGTGCTAGGC-3'
Protein context (NP_066990.3, residues 70-90): ATPPQSNGGG[Gly80Asp]GKQSKQEIHR

ClinVar aggregate classification (germline): Uncertain significance (1 of 4 stars; one submission).

Conditions:
Cardiovascular phenotype. Identifiers: MedGen CN230736.

Submission:

Ambry Genetics
Classification: Uncertain significance for Cardiovascular phenotype. Last evaluated: 2025-09-04. Review status: criteria provided, single submitter. Criteria: Ambry Variant Classification Scheme 2023. Collection method: clinical testing. Allele origin: germline.
Comment: The p.G80D variant (also known as c.239G>A), located in coding exon 1 of the GATAD1 gene, results from a G to A substitution at nucleotide position 239. The glycine at codon 80 is replaced by aspartic acid, an amino acid with similar properties. This amino acid position is conserved. In addition, this alteration is predicted to be tolerated by in silico analysis. Based on the available evidence, the clinical significance of this variant remains unclear.